The following is an entry in ClinVar:

ClinVar aggregate classification (germline): Uncertain significance (1 of 4 stars; one submission).

Conditions:
Leber congenital amaurosis 6 (LCA6). Identifiers: Orphanet 65, MedGen C1854260, MONDO:0013446, OMIM 613826.
Cone-rod dystrophy 13 (CORD13). Identifiers: Orphanet 1872, MedGen C2750720, MONDO:0011987, OMIM 608194.

Allele frequency attached by ClinVar (database versions not stated): ExAC below 0.00001; TOPMed 0.00001; gnomAD 0.00003 and 0.00004.

Submission:

Labcorp Genetics (formerly Invitae), Labcorp
Classification: Uncertain significance for Leber congenital amaurosis 6; Cone-rod dystrophy 13. Last evaluated: 2022-07-06. Review status: criteria provided, single submitter. Criteria: Invitae Variant Classification Sherloc (09022015). Collection method: clinical testing. Allele origin: germline.
Comment: This variant has not been reported in the literature in individuals affected with RPGRIP1-related conditions. This sequence change replaces glycine, which is neutral and non-polar, with glutamic acid, which is acidic and polar, at codon 146 of the RPGRIP1 protein (p.Gly146Glu). This variant is present in population databases (rs755600406, gnomAD 0.01%). ClinVar contains an entry for this variant (Variation ID: 849218). Algorithms developed to predict the effect of missense changes on protein structure and function output the following: SIFT: "Tolerated"; PolyPhen-2: "Benign"; Align-GVGD: "Class C0". The glutamic acid amino acid residue is found in multiple mammalian species, which suggests that this missense change does not adversely affect protein function. In summary, the available evidence is currently insufficient to determine the role of this variant in disease. Therefore, it has been classified as a Variant of Uncertain Significance.

NM_020366.4(RPGRIP1):c.437G>A (p.Gly146Glu)

Gene: RPGRIP1 (RPGR interacting protein 1; plus strand). Cytogenetic location: 14q11.2.
Variant type: single nucleotide variant.
Coding change: c.437G>A on transcript NM_020366.4 (MANE Select); coding-DNA position 437, G replaced by A.
Protein change: p.Gly146Glu; replaces glycine 146 with glutamic acid.
Molecular consequence: missense variant.
Genome position (GRCh38, 1-based): chr14:21,301,184, G>A. VCF-style: chr14-21301184-G-A. GRCh37 (hg19) VCF-style: chr14-21769343-G-A.
Other names: short protein forms G146E.
Identifiers: ClinVar variation 849218 (VCV000849218.9), dbSNP rs755600406, ClinGen allele CA7088655.
Genomic context (GRCh38, chr14:21,301,184, plus strand): 5'-GGCATTTCCACTGCGTCGGCCCTGCCAGCCCCCGCCGCGCCCAGCCTCGCGTCCAAGTGG[G>A]ACACAGACAGCTCCACACAGCCGGTGCACCGGTGCCGGAGAAACCCAAGAGGGGTGAGAT-3'
Protein context (NP_065099.3, residues 136-156): PRRAQPRVQV[Gly146Glu]HRQLHTAGAP